The following is an entry in ClinVar:

ClinVar aggregate classification (germline): Likely pathogenic (1 of 4 stars; one submission).

Conditions:
Osteootohepatoenteric syndrome. Identifiers: MedGen C5543557, MONDO:0859164, OMIM 619377.

Submission:

Molecular Genetics Department, Kulakov National Medical Research Center for Obstetrics, Gynecology and Perinatology
Classification: Likely pathogenic for Osteootohepatoenteric syndrome. Review status: criteria provided, single submitter. Criteria: ACMG Guidelines, 2015. Collection method: clinical testing. Allele origin: maternal. Affected: yes.
Comment: A previously undescribed nucleotide variant creates an alteration of the canonical splice site c.213+1G>C in the UNC45A gene. Loss-of-function variants are reported in patients with Osteootohepatoenteric syndrome, 619377. The variant is not present in population database (gnomAD no frequency). In summary, the currently available evidence indicates that the variant is pathogenic, but additional data are needed to prove that conclusively. Therefore, this variant has been classified as likely pathogenic.

NM_018671.5(UNC45A):c.213+1G>C

Gene: UNC45A (unc-45 myosin chaperone A; plus strand). Cytogenetic location: 15q26.1.
Variant type: single nucleotide variant.
Coding change: c.213+1G>C on transcript NM_018671.5 (MANE Select); the canonical splice donor site of the intron after coding-DNA position 213, G replaced by C.
Molecular consequence: splice donor variant.
Genome position (GRCh38, 1-based): chr15:90,935,706, G>C. VCF-style: chr15-90935706-G-C. GRCh37 (hg19) VCF-style: chr15-91478936-G-C.
Other names: c.168+1G>C (NM_001039675.2, NM_001323621.2); c.213+1G>C (NM_001323619.1); c.-371+1G>C (NM_001323620.2).
Identifiers: ClinVar variation 3062256 (VCV003062256.1), dbSNP rs2543115957, ClinGen allele CA393890287.
Genomic context (GRCh38, chr15:90,935,706, plus strand): 5'-GCGACGCCCCAGGACCAGGCCGTTCTGCACCGGAACCGGGCCGCCTGCCACCTCAAGCTG[G>C]TGAGGGAGCCTGGCGCTCTTCCCCTCGCCCGCCCGGGCCCCGGTTCGCCCATCTAAGCTG-3'